The following is an entry in ClinVar:

ClinVar aggregate classification (germline): Uncertain significance (1 of 4 stars; one submission).

Submission:

Women's Health and Genetics/Laboratory Corporation of America, LabCorp
Classification: Uncertain significance. Last evaluated: 2025-10-06. Review status: criteria provided, single submitter. Criteria: LabCorp Variant Classification Summary - May 2015. Collection method: clinical testing. Allele origin: germline.
Comment: Variant summary: MYH14 c.3882G>C (p.Glu1294Asp) results in a conservative amino acid change located in the Myosin tail domain (IPR002928) of the encoded protein sequence. Algorithms developed to predict the effect of missense changes on protein structure and function are either unavailable or do not agree on the potential impact of this missense change. The variant was absent in 191038 control chromosomes. The available data on variant occurrences in the general population are insufficient to allow any conclusion about variant significance. To our knowledge, no occurrence of c.3882G>C in individuals affected with MYH14-related conditions and no experimental evidence demonstrating its impact on protein function have been reported. No submitters have cited clinical-significance assessments for this variant to ClinVar. Based on the evidence outlined above, the variant was classified as uncertain significance.

NM_001145809.2(MYH14):c.4005G>C (p.Glu1335Asp)

Gene: MYH14 (myosin heavy chain 14; plus strand). Cytogenetic location: 19q13.33.
Variant type: single nucleotide variant.
Coding change: c.4005G>C on transcript NM_001145809.2 (MANE Select); coding-DNA position 4005, G replaced by C.
Protein change: p.Glu1335Asp; replaces glutamic acid 1335 with aspartic acid.
Molecular consequence: missense variant.
Genome position (GRCh38, 1-based): chr19:50,278,262, G>C. VCF-style: chr19-50278262-G-C. GRCh37 (hg19) VCF-style: chr19-50781519-G-C.
Other names: c.3906G>C, p.Glu1302Asp (NM_001077186.2); c.3882G>C, p.Glu1294Asp (NM_024729.4); short protein forms E1294D, E1302D, E1335D.
Identifiers: ClinVar variation 4687543 (VCV004687543.1).